The following is an entry in ClinVar:

ClinVar aggregate classification (germline): Conflicting classifications of pathogenicity. Review status: criteria provided, conflicting classifications (1 of 4 stars). 6 submissions from 6 submitters: Uncertain significance (1); Benign (2); Likely benign (2). 1 of the submissions does not count toward it. Last evaluated 2025-12-13.

Conditions:
DOCK6-related disorder. Also called: DOCK6-related condition.
Inborn genetic diseases. Identifiers: MedGen C0950123, MeSH D030342.

Allele frequency attached by ClinVar (database versions not stated): gnomAD exomes 0.00062; ExAC 0.00129; ESP Exome Variant Server 0.00269; TOPMed 0.00271; gnomAD 0.00292 and 0.00317; 1000 Genomes Project 0.00319; 1000 Genomes Project 30x 0.00344.
gnomAD v4.1: 821 of 1,601,780 alleles (0.051%); highest among the groups gnomAD compares: African/African-American, 1%; 2 homozygotes.

Submissions (6):

Labcorp Genetics (formerly Invitae), Labcorp
Classification: Benign. Last evaluated: 2025-12-13. Review status: criteria provided, single submitter. Criteria: Invitae Variant Classification Sherloc (09022015). Collection method: clinical testing. Allele origin: germline.

Ambry Genetics
Classification: Likely benign for Inborn genetic diseases. Last evaluated: 2025-08-06. Review status: criteria provided, single submitter. Criteria: Ambry Variant Classification Scheme 2023. Collection method: clinical testing. Allele origin: germline.

Blueprint Genetics
Classification: Likely benign. Last evaluated: 2024-09-09. Review status: criteria provided, single submitter. Criteria: ACMG Guidelines, 2015. Collection method: clinical testing. Allele origin: germline.

GeneDx
Classification: Uncertain significance. Last evaluated: 2024-01-07. Review status: criteria provided, single submitter. Criteria: GeneDx Variant Classification Process June 2021. Collection method: clinical testing. Allele origin: germline. Affected: yes.
Comment: In silico analysis supports that this missense variant has a deleterious effect on protein structure/function; Has not been previously published as pathogenic or benign to our knowledge

Breakthrough Genomics
Classification: Benign. Review status: criteria provided, single submitter. Criteria: ACMG Guidelines, 2015. Collection method: not provided. Allele origin: germline. Inheritance: Autosomal recessive inheritance. Affected: yes.

PreventionGenetics, part of Exact Sciences
Classification: Benign for DOCK6-related condition. Last evaluated: 2019-07-18. Review status: no assertion criteria provided. Collection method: clinical testing. Allele origin: germline. Not counted in ClinVar's aggregate classification.
Comment: This variant is classified as benign based on ACMG/AMP sequence variant interpretation guidelines (Richards et al. 2015 PMID: 25741868, with internal and published modifications).

NM_020812.4(DOCK6):c.2476C>T (p.Arg826Cys)

Gene: DOCK6 (dedicator of cytokinesis 6; minus strand). Cytogenetic location: 19p13.2.
Variant type: single nucleotide variant.
Coding change: c.2476C>T on transcript NM_020812.4 (MANE Select); coding-DNA position 2476, C replaced by T.
Protein change: p.Arg826Cys; replaces arginine 826 with cysteine.
Molecular consequence: missense variant.
Genome position (GRCh38, 1-based): chr19:11,235,676, G>A on the plus strand (C>T on the coding strand, the complement: DOCK6 is on the minus strand). VCF-style: chr19-11235676-G-A. GRCh37 (hg19) VCF-style: chr19-11346352-G-A.
Other names: c.2476C>T, p.Arg826Cys (NM_001367830.1); c.2476C>T (NM_020812.2); short protein forms R826C.
Identifiers: ClinVar variation 710755 (VCV000710755.15), dbSNP rs35881692, ClinGen allele CA9207618.